The following is an entry in ClinVar:

NM_001258392.3(CLPB):c.628G>A (p.Gly210Arg)

Gene: CLPB (ClpB family mitochondrial disaggregase; minus strand). Cytogenetic location: 11q13.4.
Variant type: single nucleotide variant.
Coding change: c.628G>A on transcript NM_001258392.3 (MANE Select); coding-DNA position 628, G replaced by A.
Protein change: p.Gly210Arg; replaces glycine 210 with arginine.
Molecular consequence: missense variant.
Genome position (GRCh38, 1-based): chr11:72,380,299, C>T on the plus strand (G>A on the coding strand, the complement: CLPB is on the minus strand). VCF-style: chr11-72380299-C-T. GRCh37 (hg19) VCF-style: chr11-72091343-C-T.
Other names: c.541G>A, p.Gly181Arg (NM_001258393.3); c.493G>A, p.Gly165Arg (NM_001258394.3); c.628G>A, p.Gly210Arg (NM_030813.6); short protein forms G181R, G210R, G165R.
Identifiers: ClinVar variation 1418865 (VCV001418865.6), dbSNP rs756161923, ClinGen allele CA6171507.

ClinVar aggregate classification (germline): Uncertain significance (1 of 4 stars; one submission).

Conditions:
3-methylglutaconic aciduria, type VIIB (MGCA7B). Also called: 3-methylglutaconic aciduria with cataracts, neurologic involvement and neutropenia; 3-methylglutaconic aciduria, type VII, with cataracts, neurologic involvement and neutropenia; CLPB Deficiency. Identifiers: Orphanet 445038, MedGen C5676893, MONDO:0014561, OMIM 616271.

Allele frequency attached by ClinVar (database versions not stated): gnomAD exomes 0.00002 and 0.00003; ExAC 0.00003; gnomAD 0.00003 and 0.00004; TOPMed 0.00004.
gnomAD v4.1: 31 of 1,613,602 alleles (0.0019%); highest among the groups gnomAD compares: African/African-American, 0.0067%; no homozygotes.

Submission:

Labcorp Genetics (formerly Invitae), Labcorp
Classification: Uncertain significance for 3-methylglutaconic aciduria, type VIIB. Last evaluated: 2025-12-10. Review status: criteria provided, single submitter. Criteria: Invitae Variant Classification Sherloc (09022015). Collection method: clinical testing. Allele origin: germline.
Comment: This sequence change replaces glycine, which is neutral and non-polar, with arginine, which is basic and polar, at codon 210 of the CLPB protein (p.Gly210Arg). This variant is present in population databases (rs756161923, gnomAD 0.01%). This variant has not been reported in the literature in individuals affected with CLPB-related conditions. ClinVar contains an entry for this variant (Variation ID: 1418865). An algorithm developed to predict the effect of missense changes on protein structure and function (PolyPhen-2) suggests that this variant is likely to be tolerated. In summary, the available evidence is currently insufficient to determine the role of this variant in disease. Therefore, it has been classified as a Variant of Uncertain Significance.